The following is an entry in ClinVar:

NM_133433.4(NIPBL):c.3521A>G (p.Lys1174Arg)

Gene: NIPBL (NIPBL cohesin loading factor; plus strand). Cytogenetic location: 5p13.2.
Variant type: single nucleotide variant.
Coding change: c.3521A>G on transcript NM_133433.4 (MANE Select); coding-DNA position 3521, A replaced by G.
Protein change: p.Lys1174Arg; replaces lysine 1174 with arginine.
Molecular consequence: missense variant.
Genome position (GRCh38, 1-based): chr5:37,000,835, A>G. VCF-style: chr5-37000835-A-G. GRCh37 (hg19) VCF-style: chr5-37000937-A-G.
Other names: c.3521A>G, p.Lys1174Arg (NM_001438586.1, NM_015384.5); short protein forms K1174R.
Identifiers: ClinVar variation 4979493 (VCV004979493.1).

ClinVar aggregate classification (germline): Uncertain significance (1 of 4 stars; one submission).

Conditions:
NIPBL-related disorder. Also called: NIPBL-related condition.

gnomAD v4.1: 6 of 1,611,928 alleles (0.00037%); highest among the groups gnomAD compares: South Asian, 0.0044%; no homozygotes.

Submission:

PreventionGenetics, part of Exact Sciences
Classification: Uncertain significance for NIPBL-related condition. Last evaluated: 2025-09-30. Review status: criteria provided, single submitter. Criteria: ACMG Guidelines, 2015. Collection method: clinical testing. Allele origin: germline.
Comment: The NIPBL c.3521A>G variant is predicted to result in the amino acid substitution p.Lys1174Arg. To our knowledge, this variant has not been reported in the literature. This variant is reported in 0.0065% of alleles in individuals of South Asian descent in gnomAD. At this time, the clinical significance of this variant is uncertain due to the absence of conclusive functional and genetic evidence.